The following is an entry in ClinVar:

NM_001282531.3(ADNP):c.2591A>T (p.Lys864Ile)

Gene: ADNP (activity dependent neuroprotector homeobox; minus strand). Cytogenetic location: 20q13.13.
Variant type: single nucleotide variant.
Coding change: c.2591A>T on transcript NM_001282531.3 (MANE Select); coding-DNA position 2591, A replaced by T.
Protein change: p.Lys864Ile; replaces lysine 864 with isoleucine.
Molecular consequence: missense variant.
Genome position (GRCh38, 1-based): chr20:50,892,123, T>A on the plus strand (A>T on the coding strand, the complement: ADNP is on the minus strand). VCF-style: chr20-50892123-T-A. GRCh37 (hg19) VCF-style: chr20-49508660-T-A.
Other names: c.2591A>T, p.Lys864Ile (NM_001282532.2, NM_001347511.2, NM_015339.5 and 1 more transcripts); short protein forms K864I.
Identifiers: ClinVar variation 2132355 (VCV002132355.4), dbSNP rs1325811062, ClinGen allele CA408968953.

ClinVar aggregate classification (germline): Uncertain significance (1 of 4 stars; one submission).

Allele frequency attached by ClinVar (database versions not stated): gnomAD exomes below 0.00001; gnomAD 0.00001.
gnomAD v4.1: 3 of 1,614,062 alleles (0.00019%); highest among the groups gnomAD compares: African/African-American, 0.004%; no homozygotes.

Submission:

Labcorp Genetics (formerly Invitae), Labcorp
Classification: Uncertain significance. Last evaluated: 2022-04-30. Review status: criteria provided, single submitter. Criteria: Invitae Variant Classification Sherloc (09022015). Collection method: clinical testing. Allele origin: germline.
Comment: This variant is present in population databases (no rsID available, gnomAD 0.007%). In summary, the available evidence is currently insufficient to determine the role of this variant in disease. Therefore, it has been classified as a Variant of Uncertain Significance. Algorithms developed to predict the effect of missense changes on protein structure and function are either unavailable or do not agree on the potential impact of this missense change (SIFT: "Not Available"; PolyPhen-2: "Benign"; Align-GVGD: "Not Available"). This variant has not been reported in the literature in individuals affected with ADNP-related conditions. This sequence change replaces lysine, which is basic and polar, with isoleucine, which is neutral and non-polar, at codon 864 of the ADNP protein (p.Lys864Ile).